The following is an entry in ClinVar:

ClinVar aggregate classification (germline): Benign/Likely benign. Review status: criteria provided, multiple submitters, no conflicts (2 of 4 stars). 3 submissions from 3 submitters: Benign (1); Likely benign (2). Last evaluated 2026-04-30.

Conditions:
Colorectal cancer, hereditary nonpolyposis, type 7. Identifiers: Orphanet 144, MedGen C1858380, MONDO:0013725, OMIM 614385.

Allele frequency attached by ClinVar (database versions not stated): gnomAD exomes below 0.00001.

Submissions (3):

Myriad Genetics, Inc.
Classification: Benign for Colorectal cancer, hereditary nonpolyposis, type 7. Last evaluated: 2026-04-30. Review status: criteria provided, single submitter. Criteria: Myriad Autosomal Dominant, Autosomal Recessive and X-Linked Classification Criteria (2023). Collection method: clinical testing. Allele origin: unknown.
Comment: This variant is considered benign. This variant is a silent/synonymous amino acid change and it is not expected to impact splicing.

Labcorp Genetics (formerly Invitae), Labcorp
Classification: Likely benign for Colorectal cancer, hereditary nonpolyposis, type 7. Last evaluated: 2023-04-15. Review status: criteria provided, single submitter. Criteria: Invitae Variant Classification Sherloc (09022015). Collection method: clinical testing. Allele origin: germline.

Ambry Genetics
Classification: Likely benign. Last evaluated: 2019-09-14. Review status: criteria provided, single submitter. Criteria: Ambry Variant Classification Scheme 2023. Collection method: clinical testing. Allele origin: germline.

NM_001040108.2(MLH3):c.1365G>A (p.Glu455=)

Gene: MLH3 (mutL homolog 3; minus strand). Cytogenetic location: 14q24.3.
Variant type: single nucleotide variant.
Coding change: c.1365G>A on transcript NM_001040108.2 (MANE Select); coding-DNA position 1365, G replaced by A.
Protein change: p.Glu455=; no amino-acid change (glutamic acid 455 retained).
Molecular consequence: synonymous variant.
Genome position (GRCh38, 1-based): chr14:75,048,291, C>T on the plus strand (G>A on the coding strand, the complement: MLH3 is on the minus strand). VCF-style: chr14-75048291-C-T. GRCh37 (hg19) VCF-style: chr14-75514994-C-T.
Other names: c.1365G>A, p.Glu455= (NM_014381.3).
Identifiers: ClinVar variation 1770925 (VCV001770925.6), dbSNP rs2503297298, ClinGen allele CA487274019.
Genomic context (GRCh38, chr14:75,048,291, plus strand): 5'-TGTCTCTTGTTCTAACATCTTTGATTCTGAGCAAGAGCTGTCTTTGTTTTGTAAAGATGG[C>T]TCTGTCATTTTGCTATGGCCTGGACCACCTGATTCATAAATGTACAAAAATGCATCATTT-3'
Protein context (NP_001035197.1, residues 445-465): SGGPGHSKMT[Glu455=]PSLQNKDSSC